The following is an entry in ClinVar:

ClinVar aggregate classification (germline): Pathogenic (1 of 4 stars; one submission).

Conditions:
T-B+ severe combined immunodeficiency due to JAK3 deficiency. Also called: SCID, autosomal recessive, T-negative/B-positive type; SCID, T CELL-NEGATIVE, B CELL-POSITIVE, NK CELL-NEGATIVE. Identifiers: Orphanet 35078, MedGen C1833275, MONDO:0010938, OMIM 600802.

Submission:

Labcorp Genetics (formerly Invitae), Labcorp
Classification: Pathogenic for T-B+ severe combined immunodeficiency due to JAK3 deficiency. Last evaluated: 2022-12-07. Review status: criteria provided, single submitter. Criteria: Invitae Variant Classification Sherloc (09022015). Collection method: clinical testing. Allele origin: germline.
Comment: For these reasons, this variant has been classified as Pathogenic. This premature translational stop signal has been observed in individuals with severe combined immunodeficiency (PMID: 28109013, 32445296). This variant is not present in population databases (gnomAD no frequency). This sequence change creates a premature translational stop signal (p.Trp623*) in the JAK3 gene. It is expected to result in an absent or disrupted protein product. Loss-of-function variants in JAK3 are known to be pathogenic (PMID: 7481768, 11668621).

Literature cited by the submitters: PubMed 28109013; PubMed 32445296; PubMed 7481768; PubMed 11668621.

NM_000215.4(JAK3):c.1869G>A (p.Trp623Ter)

Gene: JAK3 (Janus kinase 3; minus strand). Cytogenetic location: 19p13.11.
Variant type: single nucleotide variant.
Coding change: c.1869G>A on transcript NM_000215.4 (MANE Select); coding-DNA position 1869, G replaced by A.
Protein change: p.Trp623Ter; replaces tryptophan 623 with a stop codon.
Molecular consequence: nonsense.
Genome position (GRCh38, 1-based): chr19:17,835,969, C>T on the plus strand (G>A on the coding strand, the complement: JAK3 is on the minus strand). VCF-style: chr19-17835969-C-T. GRCh37 (hg19) VCF-style: chr19-17946778-C-T.
Other names: short protein forms W623*.
Identifiers: ClinVar variation 2797819 (VCV002797819.3), dbSNP rs2514556659, ClinGen allele CA404768877.